The following is an entry in ClinVar:

ClinVar aggregate classification (germline): Uncertain significance (1 of 4 stars; one submission).

Conditions:
Usher syndrome type 1F (USH1F). Also called: USHER SYNDROME, TYPE IF. Identifiers: Orphanet 231169, Orphanet 886, MedGen C1865885, MONDO:0011186, OMIM 602083.

Submission:

Broad Center for Mendelian Genomics, Broad Institute of MIT and Harvard
Classification: Uncertain significance for Usher syndrome type 1F. Last evaluated: 2025-06-06. Review status: criteria provided, single submitter. Criteria: ACMG/ClinGen CNV Guidelines, 2019. Collection method: curation. Allele origin: unknown. Inheritance: Autosomal recessive inheritance.
Comment: The deletion of exon 9-13 in PCDH15 was identified, in the homozygous state, in one individual with Type 1 Usher Syndrome (PMID: 27583663), and has been identified in 0.009% (3/33816) of African/African American chromosomes by the Genome Aggregation Database (gnomAD). Although this variant has been seen in the general population in a heterozygous state, its frequency is low enough to be consistent with a recessive carrier frequency. This intragenic variant is not predicted to cause a frameshift, and is more likely to escape nonsense mediated decay (NMD) and result in a truncated protein. Loss of PCDH15 is an established disease mechanism with autosomal recessive Usher Syndrome. In summary, while there is some suspicion for a pathogenic role, the clinical significance of this variant is uncertain. The ACMG/ClinGen evidence codes and points used in this curation are as follows: 1A: 0 points, 2E: 0.30 points, 3A: 0 points, 4E: 0.15 points, 5G: 0.0 points; Total: 0.45 points; Riggs 2020 (PMID: 31690835).

Literature cited by the submitters: PubMed 27583663.

Single allele

Gene: PCDH15 (protocadherin related 15; minus strand). Cytogenetic location: 10q21.1.
Variant type: Deletion.
Identifiers: ClinVar variation 4056476 (VCV004056476.1).